The following is an entry in ClinVar:

ClinVar aggregate classification (germline): Uncertain significance (1 of 4 stars; one submission).

Allele frequency attached by ClinVar (database versions not stated): gnomAD exomes below 0.00001; gnomAD 0.00001; ExAC 0.00002; TOPMed 0.00002.
gnomAD v4.1: 4 of 1,203,750 alleles (0.00033%); highest among the groups gnomAD compares: Admixed American, 0.0022%; no homozygotes.

Submission:

Labcorp Genetics (formerly Invitae), Labcorp
Classification: Uncertain significance. Last evaluated: 2022-10-12. Review status: criteria provided, single submitter. Criteria: Invitae Variant Classification Sherloc (09022015). Collection method: clinical testing. Allele origin: germline.
Comment: This sequence change replaces arginine, which is basic and polar, with glutamine, which is neutral and polar, at codon 181 of the PQBP1 protein (p.Arg181Gln). The frequency data for this variant in the population databases is considered unreliable, as metrics indicate poor data quality at this position in the gnomAD database. This variant has not been reported in the literature in individuals affected with PQBP1-related conditions. Advanced modeling of protein sequence and biophysical properties (such as structural, functional, and spatial information, amino acid conservation, physicochemical variation, residue mobility, and thermodynamic stability) performed at Invitae indicates that this missense variant is not expected to disrupt PQBP1 protein function. In summary, the available evidence is currently insufficient to determine the role of this variant in disease. Therefore, it has been classified as a Variant of Uncertain Significance.

NM_001032382.2(PQBP1):c.542G>A (p.Arg181Gln)

Gene: PQBP1 (polyglutamine binding protein 1; plus strand). Cytogenetic location: Xp11.23.
Variant type: single nucleotide variant.
Coding change: c.542G>A on transcript NM_001032382.2 (MANE Select); coding-DNA position 542, G replaced by A.
Protein change: p.Arg181Gln; replaces arginine 181 with glutamine.
Molecular consequence: missense variant. On other transcripts: intron variant (1).
Genome position (GRCh38, 1-based): chrX:48,902,482, G>A. VCF-style: chrX-48902482-G-A. GRCh37 (hg19) VCF-style: chrX-48759759-G-A.
Other names: c.542G>A, p.Arg181Gln (NM_001032381.2, NM_001032383.2, NM_001032384.1 and 2 more transcripts); c.518G>A, p.Arg173Gln (NM_001167990.2); c.242G>A, p.Arg81Gln (NM_001167992.1); c.293-250G>A (NM_144495.3); short protein forms R181Q, R173Q, R81Q.
Identifiers: ClinVar variation 1957313 (VCV001957313.5), dbSNP rs781870298, ClinGen allele CA10405937.